The following is an entry in ClinVar:

NM_001080508.3(TBX18):c.1697G>A (p.Arg566Gln)

Gene: TBX18 (T-box transcription factor 18; minus strand). Cytogenetic location: 6q14.3.
Variant type: single nucleotide variant.
Coding change: c.1697G>A on transcript NM_001080508.3 (MANE Select); coding-DNA position 1697, G replaced by A.
Protein change: p.Arg566Gln; replaces arginine 566 with glutamine.
Molecular consequence: missense variant.
Genome position (GRCh38, 1-based): chr6:84,736,812, C>T on the plus strand (G>A on the coding strand, the complement: TBX18 is on the minus strand). VCF-style: chr6-84736812-C-T. GRCh37 (hg19) VCF-style: chr6-85446530-C-T.
Other names: short protein forms R566Q.
Identifiers: ClinVar variation 2885475 (VCV002885475.3), dbSNP rs376283250, ClinGen allele CA3910795.
Genomic context (GRCh38, chr6:84,736,812, plus strand): 5'-AAACTCTGCTGACCCCCACTGCTAAGCAGGTGCACTCCTTCCACAGGGGGCAACATCTGC[C>T]GATCCGTCATGGTCCCACTCGGTGAGGACCCCAAGAAACTTCCTTGGGAAGAAACAATTT-3'
Protein context (NP_001073977.1, residues 556-576): GSSPSGTMTD[Arg566Gln]QMLPPVEGVH

ClinVar aggregate classification (germline): Uncertain significance (1 of 4 stars; one submission).

Allele frequency attached by ClinVar (database versions not stated): ExAC 0.00002; ESP Exome Variant Server 0.00008; gnomAD 0.00010; TOPMed 0.00013; gnomAD exomes 0.00024.
gnomAD v4.1: 352 of 1,613,996 alleles (0.022%); highest among the groups gnomAD compares: Non-Finnish European, 0.029%; no homozygotes.

Submission:

Labcorp Genetics (formerly Invitae), Labcorp
Classification: Uncertain significance. Last evaluated: 2023-03-08. Review status: criteria provided, single submitter. Criteria: Invitae Variant Classification Sherloc (09022015). Collection method: clinical testing. Allele origin: germline.
Comment: This sequence change replaces arginine, which is basic and polar, with glutamine, which is neutral and polar, at codon 566 of the TBX18 protein (p.Arg566Gln). This variant is present in population databases (rs376283250, gnomAD 0.009%). This missense change has been observed in individual(s) with hyperechogenic kidneys (PMID: 35065907). An algorithm developed to predict the effect of missense changes on protein structure and function (PolyPhen-2) suggests that this variant is likely to be disruptive. In summary, the available evidence is currently insufficient to determine the role of this variant in disease. Therefore, it has been classified as a Variant of Uncertain Significance.

Literature cited by the submitters: PubMed 35065907.